The following is an entry in ClinVar:

NM_006516.4(SLC2A1):c.520T>G (p.Phe174Val)

Gene: SLC2A1 (solute carrier family 2 member 1; minus strand). Cytogenetic location: 1p34.2.
Variant type: single nucleotide variant.
Coding change: c.520T>G on transcript NM_006516.4 (MANE Select); coding-DNA position 520, T replaced by G.
Protein change: p.Phe174Val; replaces phenylalanine 174 with valine.
Molecular consequence: missense variant.
Genome position (GRCh38, 1-based): chr1:42,930,032, A>C on the plus strand (T>G on the coding strand, the complement: SLC2A1 is on the minus strand). VCF-style: chr1-42930032-A-C. GRCh37 (hg19) VCF-style: chr1-43395703-A-C.
Other names: short protein forms F174V.
Identifiers: ClinVar variation 4799896 (VCV004799896.1).

ClinVar aggregate classification (germline): Uncertain significance (1 of 4 stars; one submission).

Conditions:
GLUT1 deficiency syndrome 1, autosomal recessive. Identifiers: MedGen C3149117.

Submission:

Labcorp Genetics (formerly Invitae), Labcorp
Classification: Uncertain significance for GLUT1 deficiency syndrome 1, autosomal recessive. Last evaluated: 2025-12-09. Review status: criteria provided, single submitter. Criteria: Invitae Variant Classification Sherloc (09022015). Collection method: clinical testing. Allele origin: germline.
Comment: This sequence change replaces phenylalanine, which is neutral and non-polar, with valine, which is neutral and non-polar, at codon 174 of the SLC2A1 protein (p.Phe174Val). This variant is not present in population databases (gnomAD no frequency). This variant has not been reported in the literature in individuals affected with SLC2A1-related conditions. Invitae Evidence Modeling of protein sequence and biophysical properties (such as structural, functional, and spatial information, amino acid conservation, physicochemical variation, residue mobility, and thermodynamic stability) has been performed for this missense variant. However, the output from this modeling did not meet the statistical confidence thresholds required to predict the impact of this variant on SLC2A1 protein function. In summary, the available evidence is currently insufficient to determine the role of this variant in disease. Therefore, it has been classified as a Variant of Uncertain Significance.